The following is an entry in ClinVar:

ClinVar aggregate classification (germline): Likely benign (1 of 4 stars; one submission).

Submission:

Women's Health and Genetics/Laboratory Corporation of America, LabCorp
Classification: Likely benign. Last evaluated: 2023-12-12. Review status: criteria provided, single submitter. Criteria: LabCorp Variant Classification Summary - May 2015. Collection method: clinical testing. Allele origin: germline.
Comment: Variant summary: HNRNPH1 c.397+14_397+15delinsA alters a nucleotide located at a position not widely known to affect splicing. Consensus agreement among computation tools predict no significant impact on normal splicing. However, these predictions have yet to be confirmed by functional studies. The variant was absent in 250580 control chromosomes (gnomAD). The available data on variant occurrences in the general population are insufficient to allow any conclusion about variant significance. To our knowledge, no occurrence of c.397+14_397+15delinsA in individuals affected with Neurodevelopmental Disorder With Craniofacial Dysmorphism And Skeletal Defects and no experimental evidence demonstrating its impact on protein function have been reported. No submitters have cited clinical-significance assessments for this variant to ClinVar after 2014. Based on the evidence outlined above, the variant was classified as likely benign.

NM_001257293.2(HNRNPH1):c.397+14_397+15delinsA

Genes: HNRNPH1 (heterogeneous nuclear ribonucleoprotein H1; minus strand), LOC128966623 (uncharacterized LOC128966623; plus strand). Cytogenetic location: 5q35.3.
Variant type: Indel.
Coding change: c.397+14_397+15delinsA on transcript NM_001257293.2 (MANE Select); bases 14 to 15 of the intron after coding-DNA position 397, TT replaced by A.
Molecular consequence: intron variant.
Genome position (GRCh38, 1-based): chr5:179,620,877-179,620,878, AA replaced by T on the plus strand (TT replaced by A on the coding strand, the reverse complement: HNRNPH1 is on the minus strand). VCF-style: chr5-179620877-AA-T. GRCh37 (hg19) VCF-style: chr5-179047878-AA-T.
Other names: c.397+14_397+15delinsA (NM_001364233.2, NM_001364225.2, NM_001395193.1 and 39 more transcripts); c.-68+14_-68+15delinsA (NM_001364253.2, NM_001395194.1, NM_001395195.1 and 4 more transcripts); c.166+14_166+15delinsA (NM_001395190.1); c.241+14_241+15delinsA (NM_001364250.2).
Identifiers: ClinVar variation 2691631 (VCV002691631.1), dbSNP rs2532913431, ClinGen allele CA2697546609.